The following is an entry in ClinVar:

ClinVar aggregate classification (germline): Likely benign (1 of 4 stars; one submission).

Submission:

GeneDx
Classification: Likely benign. Last evaluated: 2017-04-27. Review status: criteria provided, single submitter. Criteria: GeneDx Variant Classification (06012015). Collection method: clinical testing. Allele origin: germline. Affected: yes.
Comment: This variant is considered likely benign or benign based on one or more of the following criteria: it is a conservative change, it occurs at a poorly conserved position in the protein, it is predicted to be benign by multiple in silico algorithms, and/or has population frequency not consistent with disease.

NM_001006630.2(CHRM2):c.-48T>G

Genes: CHRM2 (cholinergic receptor muscarinic 2; plus strand), LOC349160 (uncharacterized LOC349160; minus strand). Cytogenetic location: 7q33.
Variant type: single nucleotide variant.
Coding change: c.-48T>G on transcript NM_001006630.2 (MANE Select); 48 bases upstream of the start codon, T replaced by G.
Molecular consequence: 5 prime UTR variant. On other transcripts: intron variant (4).
Genome position (GRCh38, 1-based): chr7:136,992,263, T>G. VCF-style: chr7-136992263-T-G. GRCh37 (hg19) VCF-style: chr7-136677010-T-G.
Other names: c.-48T>G (NM_000739.3, NM_001006626.3, NM_001006628.3 and 2 more transcripts); c.-46-22557T>G (NM_001006627.3, NM_001006632.3, NM_001378973.1 and 1 more transcripts).
Identifiers: ClinVar variation 509223 (VCV000509223.1), dbSNP rs1300851768, ClinGen allele CA658797017.